The following is an entry in ClinVar:

NM_138694.4(PKHD1):c.7429T>A (p.Phe2477Ile)

Gene: PKHD1 (PKHD1 ciliary IPT domain containing fibrocystin/polyductin; minus strand). Cytogenetic location: 6p12.2.
Variant type: single nucleotide variant.
Coding change: c.7429T>A on transcript NM_138694.4 (MANE Select); coding-DNA position 7429, T replaced by A.
Protein change: p.Phe2477Ile; replaces phenylalanine 2477 with isoleucine.
Molecular consequence: missense variant.
Genome position (GRCh38, 1-based): chr6:51,870,561, A>T on the plus strand (T>A on the coding strand, the complement: PKHD1 is on the minus strand). VCF-style: chr6-51870561-A-T. GRCh37 (hg19) VCF-style: chr6-51735359-A-T.
Other names: c.7429T>A, p.Phe2477Ile (NM_170724.3); short protein forms F2477I.
Identifiers: ClinVar variation 1418660 (VCV001418660.8), dbSNP rs2151777825, ClinGen allele CA364419548.
Genomic context (GRCh38, chr6:51,870,561, plus strand): 5'-TACCTTGTCCTTGGGAACAGTCTGAACAGGTTCTAATGGCCACACAGTTGATGAGATCAA[A>T]ATTAACAAAGGTTGTGTTAGACACCATCAGTTCCCATCTTTTAGGAGTTTTAATCCCAGA-3'
Protein context (NP_619639.3, residues 2467-2487): LMVSNTTFVN[Phe2477Ile]DLINCVAIRT

ClinVar aggregate classification (germline): Uncertain significance (1 of 4 stars; one submission).

Conditions:
Autosomal recessive polycystic kidney disease (ARPKD). Also called: AR polycystic kidney disease. Identifiers: Orphanet 731, Orphanet 8378, MedGen C0085548, MeSH D017044, MONDO:0009889.

Submission:

Labcorp Genetics (formerly Invitae), Labcorp
Classification: Uncertain significance for Autosomal recessive polycystic kidney disease. Last evaluated: 2021-04-03. Review status: criteria provided, single submitter. Criteria: Invitae Variant Classification Sherloc (09022015). Collection method: clinical testing. Allele origin: germline.
Comment: In summary, the available evidence is currently insufficient to determine the role of this variant in disease. Therefore, it has been classified as a Variant of Uncertain Significance. Advanced modeling of protein sequence and biophysical properties (such as structural, functional, and spatial information, amino acid conservation, physicochemical variation, residue mobility, and thermodynamic stability) performed at Invitae indicates that this missense variant is expected to disrupt PKHD1 protein function. This variant has not been reported in the literature in individuals with PKHD1-related conditions. This variant is not present in population databases (ExAC no frequency). This sequence change replaces phenylalanine with isoleucine at codon 2477 of the PKHD1 protein (p.Phe2477Ile). The phenylalanine residue is highly conserved and there is a small physicochemical difference between phenylalanine and isoleucine.